The following is an entry in ClinVar:

ClinVar aggregate classification (germline): Pathogenic (1 of 4 stars; one submission).

Conditions:
PRPH2-related disorder. Also called: PRPH2-related condition; PRPH2-related disorders. Identifiers: MedGen CN239395.

Submission:

Labcorp Genetics (formerly Invitae), Labcorp
Classification: Pathogenic for PRPH2-related disorder. Last evaluated: 2024-10-29. Review status: criteria provided, single submitter. Criteria: Invitae Variant Classification Sherloc (09022015). Collection method: clinical testing. Allele origin: germline.
Comment: This sequence change creates a premature translational stop signal (p.Arg251Profs*47) in the PRPH2 gene. While this is not anticipated to result in nonsense mediated decay, it is expected to disrupt the last 96 amino acid(s) of the PRPH2 protein. This variant is not present in population databases (gnomAD no frequency). This variant has not been reported in the literature in individuals affected with PRPH2-related conditions. ClinVar contains an entry for this variant (Variation ID: 1393001). This variant disrupts a region of the PRPH2 protein in which other variant(s) (p.Gly305Alafs*19) have been determined to be pathogenic (PMID: 24938718; internal data). This suggests that this is a clinically significant region of the protein, and that variants that disrupt it are likely to be disease-causing. For these reasons, this variant has been classified as Pathogenic.

Literature cited by the submitters: PubMed 24938718.

NM_000322.5(PRPH2):c.751_758del (p.Arg251fs)

Gene: PRPH2 (peripherin 2; minus strand). Cytogenetic location: 6p21.1.
Variant type: Deletion.
Coding change: c.751_758del on transcript NM_000322.5 (MANE Select); coding-DNA positions 751 to 758, 8 bases deleted (AGGGCTGC; older notation c.751_758delAGGGCTGC).
Protein change: p.Arg251fs; shifts the reading frame from arginine 251.
Molecular consequence: frameshift variant.
Genome position (GRCh38, 1-based): chr6:42,704,435-42,704,442, GCAGCCCT deleted on the plus strand (AGGGCTGC on the coding strand, the reverse complement: PRPH2 is on the minus strand); deleting any 8 consecutive bases within chr6:42,704,435-42,704,448 gives the same sequence; the c. name uses the placement nearest the transcript's 3' end. VCF-style (leftmost placement, unchanged base first): chr6-42704434-GGCAGCCCT-G. GRCh37 (hg19) VCF-style: chr6-42672172-GGCAGCCCT-G.
Other names: short protein forms R251fs.
Identifiers: ClinVar variation 1393001 (VCV001393001.6), dbSNP rs2152005235, ClinGen allele CA2573140848.